The following is an entry in ClinVar:

NM_001044.5(SLC6A3):c.970G>A (p.Val324Met)

Gene: SLC6A3 (solute carrier family 6 member 3). Cytogenetic location: 5p15.33.
Variant type: single nucleotide variant.
Coding change: c.970G>A on transcript NM_001044.5 (MANE Select); coding-DNA position 970, G replaced by A.
Protein change: p.Val324Met; replaces valine 324 with methionine.
Molecular consequence: missense variant.
Genome position (GRCh38, 1-based): chr5:1,416,159, C>T on the plus strand (G>A on the coding strand, the complement: SLC6A3 is on the minus strand). VCF-style: chr5-1416159-C-T. GRCh37 (hg19) VCF-style: chr5-1416274-C-T.
Other names: short protein forms V324M.
Identifiers: ClinVar variation 1510616 (VCV001510616.6), dbSNP rs779887018, ClinGen allele CA3186212.

ClinVar aggregate classification (germline): Uncertain significance (1 of 4 stars; one submission).

Conditions:
Parkinsonism-dystonia, infantile. Identifiers: Orphanet 238455, MedGen C2751067, MONDO:0013150.

Allele frequency attached by ClinVar (database versions not stated): gnomAD exomes below 0.00001; ExAC 0.00001.

Submission:

Labcorp Genetics (formerly Invitae), Labcorp
Classification: Uncertain significance for Parkinsonism-dystonia, infantile. Last evaluated: 2022-09-13. Review status: criteria provided, single submitter. Criteria: Invitae Variant Classification Sherloc (09022015). Collection method: clinical testing. Allele origin: germline.
Comment: In summary, the available evidence is currently insufficient to determine the role of this variant in disease. Therefore, it has been classified as a Variant of Uncertain Significance. Advanced modeling of protein sequence and biophysical properties (such as structural, functional, and spatial information, amino acid conservation, physicochemical variation, residue mobility, and thermodynamic stability) performed at Invitae indicates that this missense variant is not expected to disrupt SLC6A3 protein function. ClinVar contains an entry for this variant (Variation ID: 1510616). This variant has not been reported in the literature in individuals affected with SLC6A3-related conditions. This variant is present in population databases (rs779887018, gnomAD 0.0009%). This sequence change replaces valine, which is neutral and non-polar, with methionine, which is neutral and non-polar, at codon 324 of the SLC6A3 protein (p.Val324Met).